The following is an entry in ClinVar:

ClinVar aggregate classification (germline): Likely benign. Review status: criteria provided, multiple submitters, no conflicts (2 of 4 stars). 3 submissions from 3 submitters: Likely benign (3). Last evaluated 2026-01-27.

Conditions:
Aortic aneurysm, familial thoracic 4 (AAT4). Also called: AORTIC ANEURYSM/AORTIC DISSECTION AND PATENT DUCTUS ARTERIOSUS. Identifiers: MedGen C1851504, MONDO:0007568, OMIM 132900.
Familial thoracic aortic aneurysm and aortic dissection (TAAD). Also called: Thoracic aortic aneurysms and dissections. Identifiers: Orphanet 91387, MedGen C4707243, MONDO:0019625.

Allele frequency attached by ClinVar (database versions not stated): gnomAD 0.00001; ExAC 0.00002; gnomAD exomes 0.00002; TOPMed 0.00002.
gnomAD v4.1: 17 of 1,614,032 alleles (0.0011%); highest among the groups gnomAD compares: African/African-American, 0.0027%; no homozygotes.

Submissions (3):

Labcorp Genetics (formerly Invitae), Labcorp
Classification: Likely benign for Aortic aneurysm, familial thoracic 4. Last evaluated: 2026-01-27. Review status: criteria provided, single submitter. Criteria: Invitae Variant Classification Sherloc (09022015). Collection method: clinical testing. Allele origin: germline.

All of Us Research Program, National Institutes of Health
Classification: Likely benign for Familial thoracic aortic aneurysm and aortic dissection. Last evaluated: 2024-02-05. Review status: criteria provided, single submitter. Criteria: ACMG Guidelines, 2015. Collection method: clinical testing. Allele origin: germline. Inheritance: Autosomal dominant inheritance. Observed: 2 variant alleles, 2 heterozygotes.
Comment: This study involves interpretation of variants in research participants for the purpose of population health screening. Participant phenotype was not available at the time of variant classification. Additional details can be found in publication PMID: 35346344, PMCID: PMC8962531

Color Diagnostics, LLC DBA Color Health
Classification: Likely benign for Familial thoracic aortic aneurysm and aortic dissection. Last evaluated: 2019-06-19. Review status: criteria provided, single submitter. Criteria: ACMG Guidelines, 2015. Collection method: clinical testing. Allele origin: germline.

NM_002474.3(MYH11):c.5490C>T (p.Val1830=)

Genes: MYH11 (myosin heavy chain 11; minus strand), NDE1 (nudE neurodevelopment protein 1; plus strand). Cytogenetic location: 16p13.11.
Variant type: single nucleotide variant.
Coding change: c.5490C>T on transcript NM_002474.3 (MANE Select); coding-DNA position 5490, C replaced by T.
Protein change: p.Val1830=; no amino-acid change (valine 1830 retained).
Molecular consequence: synonymous variant. On other transcripts: intron variant (2).
Genome position (GRCh38, 1-based): chr16:15,717,154, G>A on the plus strand (C>T on the coding strand, the complement: MYH11 is on the minus strand). VCF-style: chr16-15717154-G-A. GRCh37 (hg19) VCF-style: chr16-15811011-G-A.
Other names: c.5511C>T, p.Val1837= (NM_001040113.2, NM_001040114.2); c.5490C>T, p.Val1830= (NM_022844.3); c.948-7037G>A (NM_001143979.2, NM_017668.3).
Identifiers: ClinVar variation 923877 (VCV000923877.11), dbSNP rs770582589, ClinGen allele CA7921258.